The following is an entry in ClinVar:

ClinVar aggregate classification (germline): Likely benign (1 of 4 stars; one submission).

Conditions:
DYRK1B-related disorder. Also called: DYRK1B-related condition.

gnomAD v4.1: 2 of 1,613,350 alleles (0.00012%); highest among the groups gnomAD compares: African/African-American, 0.0013%; no homozygotes.

Submission:

PreventionGenetics, part of Exact Sciences
Classification: Likely benign for DYRK1B-related condition. Last evaluated: 2024-10-17. Review status: criteria provided, single submitter. Criteria: ACMG Guidelines, 2015. Collection method: clinical testing. Allele origin: germline.
Comment: This variant is classified as likely benign based on ACMG/AMP sequence variant interpretation guidelines (Richards et al. 2015 PMID: 25741868, with internal and published modifications).

NM_004714.3(DYRK1B):c.810C>T (p.Ile270=)

Gene: DYRK1B (dual specificity tyrosine phosphorylation regulated kinase 1B; minus strand). Cytogenetic location: 19q13.2.
Variant type: single nucleotide variant.
Coding change: c.810C>T on transcript NM_004714.3 (MANE Select); coding-DNA position 810, C replaced by T.
Protein change: p.Ile270=; no amino-acid change (isoleucine 270 retained).
Molecular consequence: synonymous variant.
Genome position (GRCh38, 1-based): chr19:39,827,654, G>A on the plus strand (C>T on the coding strand, the complement: DYRK1B is on the minus strand). VCF-style: chr19-39827654-G-A. GRCh37 (hg19) VCF-style: chr19-40318294-G-A.
Other names: c.810C>T, p.Ile270= (NM_006483.3, NM_006484.3).
Identifiers: ClinVar variation 4990153 (VCV004990153.1).